The following is an entry in ClinVar:

NM_001083926.2(ASRGL1):c.871G>C (p.Gly291Arg)

Gene: ASRGL1 (asparaginase and isoaspartyl peptidase 1; plus strand). Cytogenetic location: 11q12.3.
Variant type: single nucleotide variant.
Coding change: c.871G>C on transcript NM_001083926.2 (MANE Select); coding-DNA position 871, G replaced by C.
Protein change: p.Gly291Arg; replaces glycine 291 with arginine.
Molecular consequence: missense variant.
Genome position (GRCh38, 1-based): chr11:62,392,228, G>C. VCF-style: chr11-62392228-G-C. GRCh37 (hg19) VCF-style: chr11-62159700-G-C.
Other names: c.871G>C (NM_001083926.1); c.871G>C, p.Gly291Arg (NM_025080.4); short protein forms G291R.
Identifiers: ClinVar variation 1446371 (VCV001446371.9), dbSNP rs756896333, ClinGen allele CA380871857.
Genomic context (GRCh38, chr11:62,392,228, plus strand): 5'-ACAGGAGACTGGGTGGCAAAGTGGACCTCCACCTCCATGCCCTGGGCAGCCGCCAAGGAC[G>C]GCAAGCTGCACTTCGGAATTGATCCTGACGATACTACTATCACCGACCTTCCCTAAGCCG-3'
Protein context (NP_001077395.1, residues 281-301): TSMPWAAAKD[Gly291Arg]KLHFGIDPDD

ClinVar aggregate classification (germline): Uncertain significance. Review status: criteria provided, multiple submitters, no conflicts (2 of 4 stars). 2 submissions from 2 submitters: Uncertain significance (2). Last evaluated 2025-08-14.

Submissions (2):

Ambry Genetics
Classification: Uncertain significance. Last evaluated: 2025-08-14. Review status: criteria provided, single submitter. Criteria: Ambry Variant Classification Scheme 2023. Collection method: clinical testing. Allele origin: germline.

Labcorp Genetics (formerly Invitae), Labcorp
Classification: Uncertain significance. Last evaluated: 2022-03-02. Review status: criteria provided, single submitter. Criteria: Invitae Variant Classification Sherloc (09022015). Collection method: clinical testing. Allele origin: germline.
Comment: In summary, the available evidence is currently insufficient to determine the role of this variant in disease. Therefore, it has been classified as a Variant of Uncertain Significance. Algorithms developed to predict the effect of missense changes on protein structure and function are either unavailable or do not agree on the potential impact of this missense change (SIFT: "Deleterious"; PolyPhen-2: "Benign"; Align-GVGD: "Class C0"). This variant has not been reported in the literature in individuals affected with ASRGL1-related conditions. This variant is not present in population databases (gnomAD no frequency). This sequence change replaces glycine, which is neutral and non-polar, with arginine, which is basic and polar, at codon 291 of the ASRGL1 protein (p.Gly291Arg).